The following is an entry in ClinVar:

NM_002161.6(IARS1):c.1763T>C (p.Ile588Thr)

Gene: IARS1 (isoleucyl-tRNA synthetase 1; minus strand). Cytogenetic location: 9q22.31.
Variant type: single nucleotide variant.
Coding change: c.1763T>C on transcript NM_002161.6 (MANE Select); coding-DNA position 1763, T replaced by C.
Protein change: p.Ile588Thr; replaces isoleucine 588 with threonine.
Molecular consequence: missense variant. On other transcripts: non-coding transcript variant (1).
Genome position (GRCh38, 1-based): chr9:92,262,993, A>G on the plus strand (T>C on the coding strand, the complement: IARS1 is on the minus strand). VCF-style: chr9-92262993-A-G. GRCh37 (hg19) VCF-style: chr9-95025275-A-G.
Other names: c.1763T>C, p.Ile588Thr (NM_001374299.1, NM_001374300.1, NM_001374301.1 and 14 more transcripts); c.1826T>C, p.Ile609Thr (NM_001378569.1); c.1784T>C, p.Ile595Thr (NM_001378571.1); c.1640T>C, p.Ile547Thr (NM_001378583.1); c.1763T>C (NM_013417.2, NM_002161.5); short protein forms I595T, I609T, I588T, I547T.
Identifiers: ClinVar variation 1960015 (VCV001960015.6), dbSNP rs1365069994, ClinGen allele CA373819279.

ClinVar aggregate classification (germline): Uncertain significance. Review status: criteria provided, multiple submitters, no conflicts (2 of 4 stars). 3 submissions from 3 submitters: Uncertain significance (3). Last evaluated 2025-09-11.

Allele frequency attached by ClinVar (database versions not stated): gnomAD exomes below 0.00001; gnomAD 0.00001; TOPMed 0.00001.
gnomAD v4.1: 4 of 1,613,932 alleles (0.00025%); highest among the groups gnomAD compares: Admixed American, 0.0017%; no homozygotes.

Submissions (3):

Ambry Genetics
Classification: Uncertain significance. Last evaluated: 2025-09-11. Review status: criteria provided, single submitter. Criteria: Ambry Variant Classification Scheme 2023. Collection method: clinical testing. Allele origin: germline.

Labcorp Genetics (formerly Invitae), Labcorp
Classification: Uncertain significance. Last evaluated: 2024-11-11. Review status: criteria provided, single submitter. Criteria: Invitae Variant Classification Sherloc (09022015). Collection method: clinical testing. Allele origin: germline.
Comment: This sequence change replaces isoleucine, which is neutral and non-polar, with threonine, which is neutral and polar, at codon 588 of the IARS protein (p.Ile588Thr). This variant is not present in population databases (gnomAD no frequency). This variant has not been reported in the literature in individuals affected with IARS-related conditions. ClinVar contains an entry for this variant (Variation ID: 1960015). An algorithm developed to predict the effect of missense changes on protein structure and function (PolyPhen-2) suggests that this variant is likely to be disruptive. In summary, the available evidence is currently insufficient to determine the role of this variant in disease. Therefore, it has been classified as a Variant of Uncertain Significance.

GeneDx
Classification: Uncertain significance. Last evaluated: 2023-07-27. Review status: criteria provided, single submitter. Criteria: GeneDx Variant Classification Process June 2021. Collection method: clinical testing. Allele origin: germline. Affected: yes.
Comment: Has not been previously published as pathogenic or benign to our knowledge; Not observed at significant frequency in large population cohorts (gnomAD); In silico analysis supports that this missense variant has a deleterious effect on protein structure/function